The following is an entry in ClinVar:

NM_004370.6(COL12A1):c.394+10T>C

Gene: COL12A1 (collagen type XII alpha 1 chain; minus strand). Cytogenetic location: 6q13.
Variant type: single nucleotide variant.
Coding change: c.394+10T>C on transcript NM_004370.6 (MANE Select); 10 bases into the intron after coding-DNA position 394, T replaced by C.
Molecular consequence: intron variant.
Genome position (GRCh38, 1-based): chr6:75,191,691, A>G on the plus strand (T>C on the coding strand, the complement: COL12A1 is on the minus strand). VCF-style: chr6-75191691-A-G. GRCh37 (hg19) VCF-style: chr6-75901407-A-G.
Other names: p.?; c.73+11029T>C (NM_001424116.1, NM_080645.3); c.394+10T>C (NM_001424115.1, NM_001424114.1, NM_001424113.1).
Identifiers: ClinVar variation 4683211 (VCV004683211.1).

ClinVar aggregate classification (germline): Likely benign (1 of 4 stars; one submission).

Submission:

Mayo Clinic Laboratories, Mayo Clinic
Classification: Likely benign. Last evaluated: 2025-11-15. Review status: criteria provided, single submitter. Criteria: ACMG Guidelines, 2015. Collection method: clinical testing. Allele origin: germline. Observed: 1 variant allele.
Comment: BP4, BP7, PM2_supporting